The following is an entry in ClinVar:

NM_001844.5(COL2A1):c.3435+5G>C

Gene: COL2A1 (collagen type II alpha 1 chain; minus strand). Cytogenetic location: 12q13.11.
Variant type: single nucleotide variant.
Coding change: c.3435+5G>C on transcript NM_001844.5 (MANE Select); 5 bases into the intron after coding-DNA position 3435, G replaced by C.
Molecular consequence: intron variant.
Genome position (GRCh38, 1-based): chr12:47,976,807, C>G on the plus strand (G>C on the coding strand, the complement: COL2A1 is on the minus strand). VCF-style: chr12-47976807-C-G. GRCh37 (hg19) VCF-style: chr12-48370590-C-G.
Other names: c.3228+5G>C (NM_033150.3).
Identifiers: ClinVar variation 2092503 (VCV002092503.4), dbSNP rs2540105517, ClinGen allele CA2580085743.
Genomic context (GRCh38, chr12:47,976,807, plus strand): 5'-GGAGCTCAAGTGGGCTCTGTGTGGCAGGAGGCCTCGGGAAGTCCCACGCAGGCAGTGACA[C>G]TCACAGGAGGGCCGGGCAGACCCTGCAGACCAGTGAAGCCACGGTGTCCCTTCAGGCCTC-3'

ClinVar aggregate classification (germline): Likely pathogenic (1 of 4 stars; one submission).

Submission:

Labcorp Genetics (formerly Invitae), Labcorp
Classification: Likely pathogenic. Last evaluated: 2022-04-22. Review status: criteria provided, single submitter. Criteria: Invitae Variant Classification Sherloc (09022015). Collection method: clinical testing. Allele origin: germline.
Comment: In summary, the currently available evidence indicates that the variant is pathogenic, but additional data are needed to prove that conclusively. Therefore, this variant has been classified as Likely Pathogenic. Variants that disrupt the consensus splice site are a relatively common cause of aberrant splicing (PMID: 17576681, 9536098). Algorithms developed to predict the effect of sequence changes on RNA splicing suggest that this variant may disrupt the consensus splice site. This variant has been observed in individual(s) with clinical features of Stickler syndrome (Invitae). It has also been observed to segregate with disease in related individuals. This variant is not present in population databases (gnomAD no frequency). This sequence change falls in intron 48 of the COL2A1 gene. It does not directly change the encoded amino acid sequence of the COL2A1 protein. It affects a nucleotide within the consensus splice site.

Literature cited by the submitters: PubMed 17576681; PubMed 9536098.